The following is an entry in ClinVar:

ClinVar aggregate classification (germline): Uncertain significance. Review status: criteria provided, multiple submitters, no conflicts (2 of 4 stars). 2 submissions from 2 submitters: Uncertain significance (2). Last evaluated 2026-01-06.

Conditions:
Charcot-Marie-Tooth disease type 2. Also called: Charcot-Marie-Tooth type 2. Identifiers: Orphanet 64746, MedGen C0270914, MONDO:0018993.

Allele frequency attached by ClinVar (database versions not stated): gnomAD exomes below 0.00001 and 0.00001; ExAC 0.00001; TOPMed 0.00002; gnomAD 0.00003; ESP Exome Variant Server 0.00015.
gnomAD v4.1: 13 of 1,614,062 alleles (0.00081%); highest among the groups gnomAD compares: African/African-American, 0.0053%; no homozygotes.

Submissions (2):

Labcorp Genetics (formerly Invitae), Labcorp
Classification: Uncertain significance for Charcot-Marie-Tooth disease type 2. Last evaluated: 2026-01-06. Review status: criteria provided, single submitter. Criteria: Invitae Variant Classification Sherloc (09022015). Collection method: clinical testing. Allele origin: germline.
Comment: This sequence change replaces glycine, which is neutral and non-polar, with serine, which is neutral and polar, at codon 606 of the MFN2 protein (p.Gly606Ser). This variant is present in population databases (rs149122641, gnomAD 0.004%). This variant has not been reported in the literature in individuals affected with MFN2-related conditions. ClinVar contains an entry for this variant (Variation ID: 578960). Invitae Evidence Modeling of protein sequence and biophysical properties (such as structural, functional, and spatial information, amino acid conservation, physicochemical variation, residue mobility, and thermodynamic stability) has been performed for this missense variant. However, the output from this modeling did not meet the statistical confidence thresholds required to predict the impact of this variant on MFN2 protein function. In summary, the available evidence is currently insufficient to determine the role of this variant in disease. Therefore, it has been classified as a Variant of Uncertain Significance.

Blueprint Genetics
Classification: Uncertain significance. Last evaluated: 2021-10-08. Review status: criteria provided, single submitter. Criteria: ACMG Guidelines, 2015. Collection method: clinical testing. Allele origin: germline.

NM_014874.4(MFN2):c.1816G>A (p.Gly606Ser)

Gene: MFN2 (mitofusin 2; plus strand). Cytogenetic location: 1p36.22.
Variant type: single nucleotide variant.
Coding change: c.1816G>A on transcript NM_014874.4 (MANE Select); coding-DNA position 1816, G replaced by A.
Protein change: p.Gly606Ser; replaces glycine 606 with serine.
Molecular consequence: missense variant.
Genome position (GRCh38, 1-based): chr1:12,006,637, G>A. VCF-style: chr1-12006637-G-A. GRCh37 (hg19) VCF-style: chr1-12066694-G-A.
Other names: c.1816G>A, p.Gly606Ser (NM_001127660.2); short protein forms G606S.
Identifiers: ClinVar variation 578960 (VCV000578960.9), dbSNP rs149122641, ClinGen allele CA599229.